The following is an entry in ClinVar:

NM_001849.4(COL6A2):c.1345C>G (p.Pro449Ala)

Gene: COL6A2 (collagen type VI alpha 2 chain; plus strand). Cytogenetic location: 21q22.3.
Variant type: single nucleotide variant.
Coding change: c.1345C>G on transcript NM_001849.4 (MANE Select); coding-DNA position 1345, C replaced by G.
Protein change: p.Pro449Ala; replaces proline 449 with alanine.
Molecular consequence: missense variant.
Genome position (GRCh38, 1-based): chr21:46,120,527, C>G. VCF-style: chr21-46120527-C-G. GRCh37 (hg19) VCF-style: chr21-47540441-C-G.
Other names: c.1345C>G, p.Pro449Ala (NM_058174.3, NM_058175.3); short protein forms P449A.
Identifiers: ClinVar variation 1719004 (VCV001719004.6), dbSNP rs1281895553, ClinGen allele CA410530689.
Genomic context (GRCh38, chr21:46,120,527, plus strand): 5'-CCGGAGGCCTCAGCTGAGACCCGTGGGGCCTCCCTTCCCTTCCCACAGGGGGACCCTGGC[C>G]CTGAGGGGCCCCGCGGCCTGGCTGGAGAGGTTGGCAACAAAGGAGCCAAGGTAGGGGAGC-3'
Protein context (NP_001840.3, residues 439-459): GPKGEKGDPG[Pro449Ala]EGPRGLAGEV

ClinVar aggregate classification (germline): Uncertain significance (1 of 4 stars; one submission).

Conditions:
Bethlem myopathy 1A. Also called: MYOPATHY, BENIGN CONGENITAL, WITH CONTRACTURES; Bethlem Muscular Dystrophy; Bethlem myopathy 1. Identifiers: Orphanet 610, MedGen CN029274, MONDO:0024530, OMIM 158810.

Submission:

Labcorp Genetics (formerly Invitae), Labcorp
Classification: Uncertain significance for Bethlem myopathy 1A. Last evaluated: 2023-05-15. Review status: criteria provided, single submitter. Criteria: Invitae Variant Classification Sherloc (09022015). Collection method: clinical testing. Allele origin: germline.
Comment: This variant is not present in population databases (gnomAD no frequency). This sequence change replaces proline, which is neutral and non-polar, with alanine, which is neutral and non-polar, at codon 449 of the COL6A2 protein (p.Pro449Ala). This variant has not been reported in the literature in individuals affected with COL6A2-related conditions. In summary, the available evidence is currently insufficient to determine the role of this variant in disease. Therefore, it has been classified as a Variant of Uncertain Significance. Advanced modeling of protein sequence and biophysical properties (such as structural, functional, and spatial information, amino acid conservation, physicochemical variation, residue mobility, and thermodynamic stability) performed at Invitae indicates that this missense variant is not expected to disrupt COL6A2 protein function. ClinVar contains an entry for this variant (Variation ID: 1719004).